The following is an entry in ClinVar:

NM_001846.4(COL4A2):c.2172C>T (p.Asp724=)

Gene: COL4A2 (collagen type IV alpha 2 chain; plus strand). Cytogenetic location: 13q34.
Variant type: single nucleotide variant.
Coding change: c.2172C>T on transcript NM_001846.4 (MANE Select); coding-DNA position 2172, C replaced by T.
Protein change: p.Asp724=; no amino-acid change (aspartic acid 724 retained).
Molecular consequence: synonymous variant.
Genome position (GRCh38, 1-based): chr13:110,469,293, C>T. VCF-style: chr13-110469293-C-T. GRCh37 (hg19) VCF-style: chr13-111121640-C-T.
Identifiers: ClinVar variation 729026 (VCV000729026.11), dbSNP rs375427719, ClinGen allele CA7049860.
Genomic context (GRCh38, chr13:110,469,293, plus strand): 5'-AGGAATCCCAGGCTTCGCAGGAGCTGATGGAGGACCAGGGCCCAGGGGCTTGCCAGGAGA[C>T]GCAGGTCGTGAAGGGTTCCCAGGACCCCCAGGTGAGTTGAGATCAGACCCCCATTCAGCC-3'
Protein context (NP_001837.2, residues 714-734): GGPGPRGLPG[Asp724=]AGREGFPGPP

ClinVar aggregate classification (germline): Benign/Likely benign. Review status: criteria provided, multiple submitters, no conflicts (2 of 4 stars). 3 submissions from 3 submitters: Benign (1); Likely benign (2). Last evaluated 2026-07-01.

Allele frequency attached by ClinVar (database versions not stated): gnomAD exomes 0.00019 and 0.00020; 1000 Genomes Project 30x 0.00031; 1000 Genomes Project 0.00040; ExAC 0.00043; gnomAD 0.00043 and 0.00046; TOPMed 0.00046; ESP Exome Variant Server 0.00050.
gnomAD v4.1: 343 of 1,598,568 alleles (0.021%); highest among the groups gnomAD compares: African/African-American, 0.1%; 1 homozygote.

Submissions (3):

CeGaT Center for Human Genetics Tuebingen
Classification: Likely benign. Last evaluated: 2026-07-01. Review status: criteria provided, single submitter. Criteria: CeGaT Center For Human Genetics Tuebingen Variant Classification Criteria Version 2. Collection method: clinical testing. Allele origin: germline. Affected: yes. Observed: 1 variant allele.
Comment: COL4A2: BP4, BP7

Labcorp Genetics (formerly Invitae), Labcorp
Classification: Benign. Last evaluated: 2025-12-28. Review status: criteria provided, single submitter. Criteria: Invitae Variant Classification Sherloc (09022015). Collection method: clinical testing. Allele origin: germline.

Blueprint Genetics
Classification: Likely benign. Last evaluated: 2024-08-15. Review status: criteria provided, single submitter. Criteria: ACMG Guidelines, 2015. Collection method: clinical testing. Allele origin: germline.